The following is an entry in ClinVar:

NM_000368.5(TSC1):c.1852C>A (p.His618Asn)

Gene: TSC1 (TSC complex subunit 1; minus strand). Cytogenetic location: 9q34.13.
Variant type: single nucleotide variant.
Coding change: c.1852C>A on transcript NM_000368.5 (MANE Select); coding-DNA position 1852, C replaced by A.
Protein change: p.His618Asn; replaces histidine 618 with asparagine.
Molecular consequence: missense variant.
Genome position (GRCh38, 1-based): chr9:132,905,726, G>T on the plus strand (C>A on the coding strand, the complement: TSC1 is on the minus strand). VCF-style: chr9-132905726-G-T. GRCh37 (hg19) VCF-style: chr9-135781113-G-T.
Other names: c.1849C>A, p.His617Asn (NM_001162426.2); c.1699C>A, p.His567Asn (NM_001162427.2); c.1489C>A, p.His497Asn (NM_001362177.2); c.1852C>A (NM_000368.4); short protein forms H617N, H618N, H497N, H567N.
Identifiers: ClinVar variation 1388017 (VCV001388017.9), dbSNP rs1588308804, ClinGen allele CA375363140.

ClinVar aggregate classification (germline): Uncertain significance. Review status: criteria provided, multiple submitters, no conflicts (2 of 4 stars). 3 submissions from 3 submitters: Uncertain significance (3). Last evaluated 2025-08-07.

Conditions:
Hereditary cancer-predisposing syndrome. Also called: Hereditary neoplastic syndrome; Neoplastic Syndromes, Hereditary; Hereditary Cancer Syndrome; Tumor predisposition. Identifiers: Orphanet 140162, MedGen C0027672, MeSH D009386, MONDO:0015356.
Tuberous sclerosis syndrome (TSC). Also called: Tuberous Sclerosis Complex; Tuberous sclerosis. Identifiers: Orphanet 805, MedGen C0041341, MONDO:0001734.
Tuberous sclerosis 1 (TSC1). Identifiers: Orphanet 805, MedGen C1854465, MONDO:0008612, OMIM 191100.

gnomAD v4.1: 1 of 1,614,186 alleles (0.000062%); no homozygotes.

Submissions (3):

Color Diagnostics, LLC DBA Color Health
Classification: Uncertain significance for Tuberous sclerosis syndrome. Last evaluated: 2025-08-07. Review status: criteria provided, single submitter. Criteria: ACMG Guidelines, 2015. Collection method: clinical testing. Allele origin: germline.
Comment: This missense variant replaces histidine with asparagine at codon 618 of the TSC1 protein. Computational prediction suggests that this variant may not impact protein structure and function. To our knowledge, functional studies have not been reported for this variant. This variant has not been reported in individuals affected with TSC1-related disorders in the literature. This variant has not been identified in the general population by the Genome Aggregation Database (gnomAD). The available evidence is insufficient to determine the role of this variant in disease conclusively. Therefore, this variant is classified as a Variant of Uncertain Significance.

Labcorp Genetics (formerly Invitae), Labcorp
Classification: Uncertain significance for Tuberous sclerosis 1. Last evaluated: 2025-07-14. Review status: criteria provided, single submitter. Criteria: Invitae Variant Classification Sherloc (09022015). Collection method: clinical testing. Allele origin: germline.
Comment: This sequence change replaces histidine, which is basic and polar, with asparagine, which is neutral and polar, at codon 618 of the TSC1 protein (p.His618Asn). This variant is not present in population databases (gnomAD no frequency). This variant has not been reported in the literature in individuals affected with TSC1-related conditions. ClinVar contains an entry for this variant (Variation ID: 1388017). Invitae Evidence Modeling of protein sequence and biophysical properties (such as structural, functional, and spatial information, amino acid conservation, physicochemical variation, residue mobility, and thermodynamic stability) indicates that this missense variant is not expected to disrupt TSC1 protein function with a negative predictive value of 95%. In summary, the available evidence is currently insufficient to determine the role of this variant in disease. Therefore, it has been classified as a Variant of Uncertain Significance.

Ambry Genetics
Classification: Uncertain significance for Hereditary cancer-predisposing syndrome. Last evaluated: 2024-10-17. Review status: criteria provided, single submitter. Criteria: Ambry Variant Classification Scheme 2023. Collection method: clinical testing. Allele origin: germline.
Comment: The p.H618N variant (also known as c.1852C>A), located in coding exon 13 of the TSC1 gene, results from a C to A substitution at nucleotide position 1852. The histidine at codon 618 is replaced by asparagine, an amino acid with similar properties. This amino acid position is conserved. In addition, this alteration is predicted to be tolerated by in silico analysis. Based on the available evidence, the clinical significance of this variant remains unclear.